The following is an entry in ClinVar:

NM_013382.7(POMT2):c.648C>A (p.Cys216Ter)

Gene: POMT2 (protein O-mannosyltransferase 2; minus strand). Cytogenetic location: 14q24.3.
Variant type: single nucleotide variant.
Coding change: c.648C>A on transcript NM_013382.7 (MANE Select); coding-DNA position 648, C replaced by A.
Protein change: p.Cys216Ter; replaces cysteine 216 with a stop codon.
Molecular consequence: nonsense.
Genome position (GRCh38, 1-based): chr14:77,302,843, G>T on the plus strand (C>A on the coding strand, the complement: POMT2 is on the minus strand). VCF-style: chr14-77302843-G-T. GRCh37 (hg19) VCF-style: chr14-77769186-G-T.
Other names: short protein forms C216*.
Identifiers: ClinVar variation 538730 (VCV000538730.7), dbSNP rs147871747, ClinGen allele CA390520436.

ClinVar aggregate classification (germline): Pathogenic (1 of 4 stars; one submission).

Conditions:
Muscular dystrophy-dystroglycanopathy (congenital with impaired intellectual development), type B, 2. Also called: Muscular dystrophy-dystroglycanopathy (congenital with intellectual disability), type B2; MUSCULAR DYSTROPHY, CONGENITAL, POMT2-RELATED. Identifiers: MedGen C3150416, MONDO:0013160, OMIM 613156.
Autosomal recessive limb-girdle muscular dystrophy type 2N. Also called: Muscular dystrophy-dystroglycanopathy (limb-girdle), type C, 2; MUSCULAR DYSTROPHY-DYSTROGLYCANOPATHY, LIMB-GIRDLE, POMT2-RELATED. Identifiers: Orphanet 206559, MedGen C3150418, MONDO:0013162, OMIM 613158.
Muscular dystrophy-dystroglycanopathy (congenital with brain and eye anomalies), type A2. Also called: MUSCULAR DYSTROPHY-DYSTROGLYCANOPATHY (CONGENITAL WITH BRAIN AND EYE ANOMALIES), TYPE A, 2; WALKER-WARBURG SYNDROME OR MUSCLE-EYE-BRAIN DISEASE, POMT2-RELATED. Identifiers: Orphanet 588, Orphanet 899, MedGen C3150411, MONDO:0013154, OMIM 613150.

gnomAD v4.1: 2 of 1,611,054 alleles (0.00012%); highest among the groups gnomAD compares: Admixed American, 0.0017%; no homozygotes.

Submission:

Labcorp Genetics (formerly Invitae), Labcorp
Classification: Pathogenic for Muscular dystrophy-dystroglycanopathy (congenital with impaired intellectual development), type B, 2; Muscular dystrophy-dystroglycanopathy (congenital with brain and eye anomalies), type A2; Autosomal recessive limb-girdle muscular dystrophy type 2N. Last evaluated: 2018-03-14. Review status: criteria provided, single submitter. Criteria: Invitae Variant Classification Sherloc (09022015). Collection method: clinical testing. Allele origin: germline.
Comment: For these reasons, this variant has been classified as Pathogenic. Loss-of-function variants in POMT2 are known to be pathogenic (PMID: 15894594). This variant has not been reported in the literature in individuals with POMT2-related disease. This variant is not present in population databases (ExAC no frequency). This sequence change creates a premature translational stop signal (p.Cys216*) in the POMT2 gene. It is expected to result in an absent or disrupted protein product.

Literature cited by the submitters: PubMed 15894594.